The following is an entry in ClinVar:

ClinVar aggregate classification (germline): Uncertain significance (1 of 4 stars; one submission).

Conditions:
Cardiovascular phenotype. Identifiers: MedGen CN230736.

Submission:

Ambry Genetics
Classification: Uncertain significance for Cardiovascular phenotype. Last evaluated: 2026-08-13. Review status: criteria provided, single submitter. Criteria: Ambry Variant Classification Scheme 2023. Collection method: clinical testing. Allele origin: germline.
Comment: The p.A77T variant (also known as c.229G>A), located in coding exon 1 of the DOLK gene, results from a G to A substitution at nucleotide position 229. The alanine at codon 77 is replaced by threonine, an amino acid with similar properties. This amino acid position is well conserved in available vertebrate species. In addition, the in silico prediction for this alteration is inconclusive. Based on the available evidence, the clinical significance of this variant remains unclear.

NM_014908.4(DOLK):c.229G>A (p.Ala77Thr)

Gene: DOLK (dolichol kinase; minus strand). Cytogenetic location: 9q34.11.
Variant type: single nucleotide variant.
Coding change: c.229G>A on transcript NM_014908.4 (MANE Select); coding-DNA position 229, G replaced by A.
Protein change: p.Ala77Thr; replaces alanine 77 with threonine.
Molecular consequence: missense variant.
Genome position (GRCh38, 1-based): chr9:128,947,075, C>T on the plus strand (G>A on the coding strand, the complement: DOLK is on the minus strand). VCF-style: chr9-128947075-C-T. GRCh37 (hg19) VCF-style: chr9-131709354-C-T.
Other names: short protein forms A77T.
Identifiers: ClinVar variation 5035563 (VCV005035563.1).